The following is an entry in ClinVar:

ClinVar aggregate classification (germline): Pathogenic (1 of 4 stars; one submission).

Conditions:
Glycogen storage disease, type V (GSD5). Also called: MCARDLE DISEASE; MUSCLE GLYCOGEN PHOSPHORYLASE DEFICIENCY; MYOPHOSPHORYLASE DEFICIENCY; PYGM DEFICIENCY; McArdle type glycogen storage disease. Identifiers: Orphanet 368, MedGen C0017924, MONDO:0009293, OMIM 232600.

Submission:

Labcorp Genetics (formerly Invitae), Labcorp
Classification: Pathogenic for Glycogen storage disease, type V. Last evaluated: 2022-03-02. Review status: criteria provided, single submitter. Criteria: Invitae Variant Classification Sherloc (09022015). Collection method: clinical testing. Allele origin: germline.
Comment: For these reasons, this variant has been classified as Pathogenic. This variant disrupts a region of the PYGM protein in which other variant(s) (p.Val456Met) have been determined to be pathogenic (PMID: 14568816, 17324573, 17876739, 22250184, 29143597). This suggests that this is a clinically significant region of the protein, and that variants that disrupt it are likely to be disease-causing. This variant has not been reported in the literature in individuals affected with PYGM-related conditions. This variant is not present in population databases (gnomAD no frequency). This variant, c.1352_1372del, results in the deletion of 7 amino acid(s) of the PYGM protein (p.His451_Ala457del), but otherwise preserves the integrity of the reading frame.

Literature cited by the submitters: PubMed 14568816; PubMed 17324573; PubMed 17876739; PubMed 22250184; PubMed 29143597.

NM_005609.4(PYGM):c.1352_1372del (p.His451_Ala457del)

Gene: PYGM (glycogen phosphorylase, muscle associated; minus strand). Cytogenetic location: 11q13.1.
Variant type: Deletion.
Coding change: c.1352_1372del on transcript NM_005609.4 (MANE Select); coding-DNA positions 1352 to 1372, 21 bases deleted (ACGCCGTCAACGGCGTGGCGC).
Protein change: p.His451_Ala457del.
Molecular consequence: inframe deletion.
Genome position (GRCh38, 1-based): chr11:64,753,550-64,753,570, GCGCCACGCCGTTGACGGCGT deleted on the plus strand (ACGCCGTCAACGGCGTGGCGC on the coding strand, the reverse complement: PYGM is on the minus strand); deleting any 21 consecutive bases within chr11:64,753,550-64,753,573 gives the same sequence; the c. name uses the placement nearest the transcript's 3' end. VCF-style (leftmost placement, unchanged base first): chr11-64753549-CGCGCCACGCCGTTGACGGCGT-C. GRCh37 (hg19) VCF-style: chr11-64521021-CGCGCCACGCCGTTGACGGCGT-C.
Other names: c.1088_1108del, p.His363_Ala369del (NM_001164716.1).
Identifiers: ClinVar variation 2100385 (VCV002100385.4), dbSNP rs2496656801, ClinGen allele CA2580084649.
Genomic context (GRCh38, chr11:64,753,549, plus strand): 5'-GAGGGGCGGGATCTGGAAAGCGGGGCTCACATGGTCTTCTTGAGGATCTCGGAGTGGATG[CGCGCCACGCCGTTGACGGCGT>C]GCGACCCCGCGATGCACAGGTGTGCCATGTTGATGCGCTTCACTGCGCCCTCCTCCACCA-3'